The following is an entry in ClinVar:

NM_000489.6(ATRX):c.3794A>G (p.Asn1265Ser)

Gene: ATRX (ATRX chromatin remodeler; minus strand). Cytogenetic location: Xq21.1.
Variant type: single nucleotide variant.
Coding change: c.3794A>G on transcript NM_000489.6 (MANE Select); coding-DNA position 3794, A replaced by G.
Protein change: p.Asn1265Ser; replaces asparagine 1265 with serine.
Molecular consequence: missense variant.
Genome position (GRCh38, 1-based): chrX:77,676,241, T>C on the plus strand (A>G on the coding strand, the complement: ATRX is on the minus strand). VCF-style: chrX-77676241-T-C. GRCh37 (hg19) VCF-style: chrX-76931736-T-C.
Other names: c.3680A>G, p.Asn1227Ser (NM_138270.5); short protein forms N1265S, N1227S.
Identifiers: ClinVar variation 210495 (VCV000210495.15), dbSNP rs371187842, ClinGen allele CA206335.

ClinVar aggregate classification (germline): Uncertain significance. Review status: criteria provided, multiple submitters, no conflicts (2 of 4 stars). 3 submissions from 3 submitters: Uncertain significance (2). 1 of the submissions does not count toward it. Last evaluated 2025-10-02.

Conditions:
Alpha thalassemia-X-linked intellectual disability syndrome (ATRX). Also called: X-linked alpha-thalassemia-mental retardation syndrome; ATR-X syndrome; Alpha thalassemia mental retardation syndrome, nondeletion type, X-linked; XLMR hypotonic face syndrome; ALPHA-THALASSEMIA/MENTAL RETARDATION SYNDROME, X-LINKED; ALPHA-THALASSEMIA/IMPAIRED INTELLECTUAL DEVELOPMENT SYNDROME, X-LINKED. Identifiers: Orphanet 847, MedGen C1845055, MONDO:0010519, OMIM 301040.

Allele frequency attached by ClinVar (database versions not stated): gnomAD exomes 0.00001 and 0.00003; ExAC 0.00002; gnomAD 0.00005; ESP Exome Variant Server 0.00009; TOPMed 0.00009.
gnomAD v4.1: 40 of 1,205,413 alleles (0.0033%); highest among the groups gnomAD compares: African/African-American, 0.0053%; no homozygotes.

Submissions (3):

Labcorp Genetics (formerly Invitae), Labcorp
Classification: Uncertain significance for Alpha thalassemia-X-linked intellectual disability syndrome. Last evaluated: 2025-10-02. Review status: criteria provided, single submitter. Criteria: Invitae Variant Classification Sherloc (09022015). Collection method: clinical testing. Allele origin: germline.
Comment: This sequence change replaces asparagine, which is neutral and polar, with serine, which is neutral and polar, at codon 1265 of the ATRX protein (p.Asn1265Ser). This variant is present in population databases (rs371187842, gnomAD 0.001%), including at least one homozygous and/or hemizygous individual. This variant has not been reported in the literature in individuals affected with ATRX-related conditions. ClinVar contains an entry for this variant (Variation ID: 210495). Invitae Evidence Modeling of protein sequence and biophysical properties (such as structural, functional, and spatial information, amino acid conservation, physicochemical variation, residue mobility, and thermodynamic stability) indicates that this missense variant is not expected to disrupt ATRX protein function with a negative predictive value of 95%. In summary, the available evidence is currently insufficient to determine the role of this variant in disease. Therefore, it has been classified as a Variant of Uncertain Significance.

Genetic Services Laboratory, University of Chicago
Classification: Uncertain significance. Last evaluated: 2015-06-01. Review status: criteria provided, single submitter. Criteria: ACMG Guidelines, 2015. Collection method: clinical testing. Allele origin: germline.

Natera, Inc.
Classification: Uncertain significance for X-linked alpha-thalassemia-mental retardation syndrome. Last evaluated: 2020-04-11. Review status: no assertion criteria provided. Collection method: clinical testing. Allele origin: germline. Not counted in ClinVar's aggregate classification.